The following is an entry in ClinVar:

NM_014727.3(KMT2B):c.3139C>T (p.Arg1047Trp)

Gene: KMT2B (lysine methyltransferase 2B; plus strand). Cytogenetic location: 19q13.12.
Variant type: single nucleotide variant.
Coding change: c.3139C>T on transcript NM_014727.3 (MANE Select); coding-DNA position 3139, C replaced by T.
Protein change: p.Arg1047Trp; replaces arginine 1047 with tryptophan.
Molecular consequence: missense variant.
Genome position (GRCh38, 1-based): chr19:35,723,812, C>T. VCF-style: chr19-35723812-C-T. GRCh37 (hg19) VCF-style: chr19-36214713-C-T.
Other names: short protein forms R1047W.
Identifiers: ClinVar variation 1311648 (VCV001311648.2), dbSNP rs768619501, ClinGen allele CA9384664.

ClinVar aggregate classification (germline): Uncertain significance (1 of 4 stars; one submission).

Allele frequency attached by ClinVar (database versions not stated): gnomAD exomes 0.00001; ExAC 0.00003.

Submission:

GeneDx
Classification: Uncertain significance. Last evaluated: 2019-12-26. Review status: criteria provided, single submitter. Criteria: GeneDx Variant Classification Process June 2021. Collection method: clinical testing. Allele origin: germline. Affected: yes.
Comment: Not observed at a significant frequency in large population cohorts (Lek et al., 2016); In silico analysis, which includes protein predictors and evolutionary conservation, supports a deleterious effect; Has not been previously published as pathogenic or benign to our knowledge